The following is an entry in ClinVar:

NM_014317.5(PDSS1):c.610-111C>T

Gene: PDSS1 (decaprenyl diphosphate synthase subunit 1; plus strand). Cytogenetic location: 10p12.1.
Variant type: single nucleotide variant.
Coding change: c.610-111C>T on transcript NM_014317.5 (MANE Select); 111 bases into the intron before coding-DNA position 610, C replaced by T.
Molecular consequence: intron variant.
Genome position (GRCh38, 1-based): chr10:26,723,695, C>T. VCF-style: chr10-26723695-C-T. GRCh37 (hg19) VCF-style: chr10-27012624-C-T.
Other names: c.100-111C>T (NM_001321979.2); c.610-111C>T (NM_001321978.2).
Identifiers: ClinVar variation 675567 (VCV000675567.2), dbSNP rs115878745, ClinGen allele CA204403744.

ClinVar aggregate classification (germline): Benign. Review status: criteria provided, multiple submitters, no conflicts (2 of 4 stars). 2 submissions from 2 submitters: Benign (2). Last evaluated 2018-06-18.

Allele frequency attached by ClinVar (database versions not stated): gnomAD exomes 0.00247; gnomAD 0.01833 and 0.01952; TOPMed 0.02074; 1000 Genomes Project 0.02316; 1000 Genomes Project 30x 0.02498.
gnomAD v4.1: 4,430 of 792,244 alleles (0.56%); highest among the groups gnomAD compares: African/African-American, 6.2%; 119 homozygotes.

Submissions (2):

GeneDx
Classification: Benign. Last evaluated: 2018-06-18. Review status: criteria provided, single submitter. Criteria: GeneDx Variant Classification (06012015). Collection method: clinical testing. Allele origin: germline. Affected: yes.
Comment: This variant is considered likely benign or benign based on one or more of the following criteria: it is a conservative change, it occurs at a poorly conserved position in the protein, it is predicted to be benign by multiple in silico algorithms, and/or has population frequency not consistent with disease.

Breakthrough Genomics
Classification: Benign. Review status: criteria provided, single submitter. Criteria: ACMG Guidelines, 2015. Collection method: not provided. Allele origin: germline. Inheritance: Autosomal recessive inheritance. Affected: yes.